The following is an entry in ClinVar:

ClinVar aggregate classification (germline): Uncertain significance (1 of 4 stars; one submission).

Allele frequency attached by ClinVar (database versions not stated): gnomAD 0.00001.
gnomAD v4.1: 1 of 1,580,618 alleles (0.000063%); highest among the groups gnomAD compares: East Asian, 0.0023%; no homozygotes.

Submission:

Labcorp Genetics (formerly Invitae), Labcorp
Classification: Uncertain significance. Last evaluated: 2022-08-24. Review status: criteria provided, single submitter. Criteria: Invitae Variant Classification Sherloc (09022015). Collection method: clinical testing. Allele origin: germline.
Comment: This sequence change replaces serine, which is neutral and polar, with arginine, which is basic and polar, at codon 822 of the COL11A2 protein (p.Ser822Arg). The frequency data for this variant in the population databases is considered unreliable, as metrics indicate poor data quality at this position in the gnomAD database. This variant has not been reported in the literature in individuals affected with COL11A2-related conditions. Advanced modeling of protein sequence and biophysical properties (such as structural, functional, and spatial information, amino acid conservation, physicochemical variation, residue mobility, and thermodynamic stability) performed at Invitae indicates that this missense variant is not expected to disrupt COL11A2 protein function. In summary, the available evidence is currently insufficient to determine the role of this variant in disease. Therefore, it has been classified as a Variant of Uncertain Significance.

NM_080680.3(COL11A2):c.2464A>C (p.Ser822Arg)

Gene: COL11A2 (collagen type XI alpha 2 chain; minus strand). Cytogenetic location: 6p21.32.
Variant type: single nucleotide variant.
Coding change: c.2464A>C on transcript NM_080680.3 (MANE Select); coding-DNA position 2464, A replaced by C.
Protein change: p.Ser822Arg; replaces serine 822 with arginine.
Molecular consequence: missense variant.
Genome position (GRCh38, 1-based): chr6:33,174,185, T>G on the plus strand (A>C on the coding strand, the complement: COL11A2 is on the minus strand). VCF-style: chr6-33174185-T-G. GRCh37 (hg19) VCF-style: chr6-33141962-T-G.
Other names: c.2143A>C, p.Ser715Arg (NM_080679.3); c.2206A>C, p.Ser736Arg (NM_080681.3); short protein forms S715R, S736R, S822R.
Identifiers: ClinVar variation 1717914 (VCV001717914.6), dbSNP rs1379556538, ClinGen allele CA363643698.